The following is an entry in ClinVar:

NM_001723.7(DST):c.5416C>T (p.Gln1806Ter)

Gene: DST (dystonin; minus strand). Cytogenetic location: 6p12.1.
Variant type: single nucleotide variant.
Coding change: c.5416C>T on transcript NM_001723.7 (MANE Plus Clinical); coding-DNA position 5416, C replaced by T.
Protein change: p.Gln1806Ter; replaces glutamine 1806 with a stop codon.
Molecular consequence: nonsense. On other transcripts: intron variant (10).
Genome position (GRCh38, 1-based): chr6:56,618,618, G>A on the plus strand (C>T on the coding strand, the complement: DST is on the minus strand). VCF-style: chr6-56618618-G-A. GRCh37 (hg19) VCF-style: chr6-56483416-G-A.
Other names: c.4831-4134C>T (NM_001144769.5); c.4930-4134C>T (NM_001374722.1, NM_001374736.1); c.4957-4134C>T (NM_001374734.1); c.4417-4134C>T (NM_001144770.2); c.4297-4134C>T (NM_001374730.1, NM_001386100.1, NM_183380.4 and 1 more transcripts); c.3319-4134C>T (NM_015548.5); short protein forms Q1806*.
Identifiers: ClinVar variation 862868 (VCV000862868.10), dbSNP rs2098654029, ClinGen allele CA364567431.
Genomic context (GRCh38, chr6:56,618,618, plus strand): 5'-GGTAATGATTTGCTTCCATGTGCTGCCCTTGCTGCATTTGTTCACGATACTGTTGAAGCT[G>A]TCTTTCAAGTTCTTTAATGTTTGTTTCACAAAGCTTAGCATTTTCTTGGGCTCTAGAGTT-3'

ClinVar aggregate classification (germline): Pathogenic (1 of 4 stars; one submission).

Conditions:
Hereditary sensory and autonomic neuropathy type 6. Also called: HSAN VI; Neuropathy, hereditary sensory and autonomic, type VI. Identifiers: Orphanet 314381, MedGen C3539003, MONDO:0013839, OMIM 614653.
Epidermolysis bullosa simplex 3, localized or generalized intermediate, with BP230 deficiency (EBS3). Also called: Epidermolysis bullosa simplex, autosomal recessive 2; Epidermolysis bullosa simplex due to BP230 deficiency. Identifiers: Orphanet 412181, MedGen C3809470, MONDO:0014180, OMIM 615425.

Submission:

Labcorp Genetics (formerly Invitae), Labcorp
Classification: Pathogenic for Epidermolysis bullosa simplex 3, localized or generalized intermediate, with BP230 deficiency; Hereditary sensory and autonomic neuropathy type 6. Last evaluated: 2024-02-26. Review status: criteria provided, single submitter. Criteria: Invitae Variant Classification Sherloc (09022015). Collection method: clinical testing. Allele origin: germline.
Comment: This sequence change creates a premature translational stop signal (p.Gln1806*) in the DST gene. It is expected to result in an absent or disrupted protein product. Loss-of-function variants in DST are known to be pathogenic (PMID: 22522446, 25059916, 30371979). This variant is not present in population databases (gnomAD no frequency). This variant has not been reported in the literature in individuals affected with DST-related conditions. ClinVar contains an entry for this variant (Variation ID: 862868). For these reasons, this variant has been classified as Pathogenic.

Literature cited by the submitters: PubMed 22522446; PubMed 25059916; PubMed 30371979.